The following is an entry in ClinVar:

NM_003356.4(UCP3):c.337+8A>G

Gene: UCP3 (uncoupling protein 3; minus strand). Cytogenetic location: 11q13.4.
Variant type: single nucleotide variant.
Coding change: c.337+8A>G on transcript NM_003356.4 (MANE Select); 8 bases into the intron after coding-DNA position 337, A replaced by G.
Molecular consequence: intron variant.
Genome position (GRCh38, 1-based): chr11:74,006,161, T>C on the plus strand (A>G on the coding strand, the complement: UCP3 is on the minus strand). VCF-style: chr11-74006161-T-C. GRCh37 (hg19) VCF-style: chr11-73717206-T-C.
Other names: c.337+8A>G (NM_022803.3).
Identifiers: ClinVar variation 3353942 (VCV003353942.1).

ClinVar aggregate classification (germline): Likely benign (0 of 4 stars; one submission).

Conditions:
UCP3-related disorder. Also called: UCP3-related condition.

gnomAD v4.1: 2 of 1,613,900 alleles (0.00012%); highest among the groups gnomAD compares: African/African-American, 0.0027%; no homozygotes.

Submission:

PreventionGenetics, part of Exact Sciences
Classification: Likely benign for UCP3-related condition. Last evaluated: 2022-06-08. Review status: no assertion criteria provided. Collection method: clinical testing. Allele origin: germline.
Comment: This variant is classified as likely benign based on ACMG/AMP sequence variant interpretation guidelines (Richards et al. 2015 PMID: 25741868, with internal and published modifications).